The following is an entry in ClinVar:

ClinVar aggregate classification (germline): Uncertain significance. Review status: criteria provided, multiple submitters, no conflicts (2 of 4 stars). 2 submissions from 2 submitters: Uncertain significance (2). Last evaluated 2025-05-23.

Allele frequency attached by ClinVar (database versions not stated): TOPMed 0.00001; gnomAD 0.00001.
gnomAD v4.1: 5 of 1,316,996 alleles (0.00038%); highest among the groups gnomAD compares: Non-Finnish European, 0.00038%; no homozygotes.

Submissions (2):

Ambry Genetics
Classification: Uncertain significance. Last evaluated: 2025-05-23. Review status: criteria provided, single submitter. Criteria: Ambry Variant Classification Scheme 2023. Collection method: clinical testing. Allele origin: germline.

Labcorp Genetics (formerly Invitae), Labcorp
Classification: Uncertain significance. Last evaluated: 2022-10-17. Review status: criteria provided, single submitter. Criteria: Invitae Variant Classification Sherloc (09022015). Collection method: clinical testing. Allele origin: germline.
Comment: In summary, the available evidence is currently insufficient to determine the role of this variant in disease. Therefore, it has been classified as a Variant of Uncertain Significance. Algorithms developed to predict the effect of missense changes on protein structure and function (SIFT, PolyPhen-2, Align-GVGD) all suggest that this variant is likely to be tolerated. This variant has not been reported in the literature in individuals affected with CACNA1B-related conditions. The frequency data for this variant in the population databases is considered unreliable, as metrics indicate insufficient coverage at this position in the gnomAD database. This sequence change replaces histidine, which is basic and polar, with tyrosine, which is neutral and polar, at codon 892 of the CACNA1B protein (p.His892Tyr).

NM_000718.4(CACNA1B):c.2674C>T (p.His892Tyr)

Gene: CACNA1B (calcium voltage-gated channel subunit alpha1 B; plus strand). Cytogenetic location: 9q34.3.
Variant type: single nucleotide variant.
Coding change: c.2674C>T on transcript NM_000718.4 (MANE Select); coding-DNA position 2674, C replaced by T.
Protein change: p.His892Tyr; replaces histidine 892 with tyrosine.
Molecular consequence: missense variant.
Genome position (GRCh38, 1-based): chr9:138,023,417, C>T. VCF-style: chr9-138023417-C-T. GRCh37 (hg19) VCF-style: chr9-140917869-C-T.
Other names: c.2674C>T, p.His892Tyr (NM_001243812.2); c.2674C>T (NM_000718.3); short protein forms H892Y.
Identifiers: ClinVar variation 1934601 (VCV001934601.4), dbSNP rs1395077683, ClinGen allele CA375809893.
Genomic context (GRCh38, chr9:138,023,417, plus strand): 5'-CCGAAGGCGGAGAGCGGGGAGCCCGGTGCCCGGGAGGAGCGGCCGCGGCCGCACCGCAGC[C>T]ACAGCAAGGAGGCCGCGGGGCCCCCGGAGGCGCGGAGCGAGCGCGGCCGAGGCCCAGGCC-3'
Protein context (NP_000709.1, residues 882-902): REERPRPHRS[His892Tyr]SKEAAGPPEA